The following is an entry in ClinVar:

ClinVar aggregate classification (germline): Conflicting classifications of pathogenicity. Review status: criteria provided, conflicting classifications (1 of 4 stars). 2 submissions from 2 submitters: Likely pathogenic (1); Uncertain significance (1). Last evaluated 2025-01-15.

Submissions (2):

GeneDx
Classification: Likely pathogenic. Last evaluated: 2025-01-15. Review status: criteria provided, single submitter. Criteria: GeneDx Variant Classification Process June 2021. Collection method: clinical testing. Allele origin: germline. Affected: yes.
Comment: Not observed at significant frequency in large population cohorts (gnomAD); In silico analysis supports a deleterious effect on protein structure/function; Has not been previously published as pathogenic or benign to our knowledge

Institute for Medical Genetics and Human Genetics, Charité - Universitätsmedizin Berlin
Classification: Uncertain significance. Review status: criteria provided, single submitter. Criteria: ACMG Guidelines, 2015. Collection method: not provided. Allele origin: germline. Affected: yes.

NM_182948.4(PRKACB):c.1137AGA[2] (p.Glu381del)

Gene: PRKACB (protein kinase cAMP-activated catalytic subunit beta; plus strand). Cytogenetic location: 1p31.1.
Variant type: Microsatellite.
Coding change: c.1137AGA[2] on transcript NM_182948.4 (MANE Select); two copies in a row of the 3-base unit AGA starting at c.1137; the reference has three copies in a row; one copy, 3 bases deleted.
Protein change: p.Glu381del; deletes glutamic acid 381.
Genome position (GRCh38, 1-based): chr1:84,235,251-84,235,253, AGA deleted; deleting any 3 consecutive bases within chr1:84,235,243-84,235,253 gives the same sequence; the position shown is the placement nearest the transcript's 3' end. VCF-style (leftmost placement, unchanged base first): chr1-84235242-TGAA-T. GRCh37 (hg19) VCF-style: chr1-84700925-TGAA-T.
Other names: c.1017AGA[2], p.Glu341del (NM_001242857.3); c.960AGA[2], p.Glu322del (NM_001242858.3); c.1008AGA[2], p.Glu338del (NM_001242859.3); c.1014AGA[2], p.Glu340del (NM_001242860.3); c.906AGA[2], p.Glu304del (NM_001242861.3); c.957AGA[2], p.Glu321del (NM_001242862.3, NM_001375565.1); c.1005AGA[2], p.Glu337del (NM_001375560.1); c.990AGA[2], p.Glu332del (NM_001375561.1); and 4 more; short protein forms E304del, E321del, E322del, E329del, E330del, E332del, E333del, E334del.
Identifiers: ClinVar variation 4070620 (VCV004070620.3).